The following is an entry in ClinVar:

ClinVar aggregate classification (germline): Likely benign (0 of 4 stars; one submission).

Conditions:
MUC16-related disorder. Also called: MUC16-related condition.

Submission:

PreventionGenetics, part of Exact Sciences
Classification: Likely benign for MUC16-related condition. Last evaluated: 2019-11-22. Review status: no assertion criteria provided. Collection method: clinical testing. Allele origin: germline.
Comment: This variant is classified as likely benign based on ACMG/AMP sequence variant interpretation guidelines (Richards et al. 2015 PMID: 25741868, with internal and published modifications).

NM_001401501.2(MUC16):c.37371C>T (p.Thr12457=)

Gene: MUC16 (mucin 16, cell surface associated; minus strand). Cytogenetic location: 19p13.2.
Variant type: single nucleotide variant.
Coding change: c.37371C>T on transcript NM_001401501.2 (MANE Select); coding-DNA position 37371, C replaced by T.
Protein change: p.Thr12457=; no amino-acid change (threonine 12457 retained).
Molecular consequence: synonymous variant.
Genome position (GRCh38, 1-based): chr19:8,910,462, G>A on the plus strand (C>T on the coding strand, the complement: MUC16 is on the minus strand). VCF-style: chr19-8910462-G-A. GRCh37 (hg19) VCF-style: chr19-9021138-G-A.
Other names: c.37797C>T, p.Thr12599= (NM_001414686.1); c.37251C>T, p.Thr12417= (NM_001414687.1); c.37185C>T, p.Thr12395= (NM_024690.2).
Identifiers: ClinVar variation 3033140 (VCV003033140.2), dbSNP rs1422356441, ClinGen allele CA505286389.